The following is an entry in ClinVar:

NM_032199.3(ARID5B):c.1115G>A (p.Arg372His)

Gene: ARID5B (AT-rich interaction domain 5B; plus strand). Cytogenetic location: 10q21.2.
Variant type: single nucleotide variant.
Coding change: c.1115G>A on transcript NM_032199.3 (MANE Select); coding-DNA position 1115, G replaced by A.
Protein change: p.Arg372His; replaces arginine 372 with histidine.
Molecular consequence: missense variant.
Genome position (GRCh38, 1-based): chr10:62,069,713, G>A. VCF-style: chr10-62069713-G-A. GRCh37 (hg19) VCF-style: chr10-63829472-G-A.
Other names: c.386G>A, p.Arg129His (NM_001244638.2); short protein forms R129H, R372H.
Identifiers: ClinVar variation 4534360 (VCV004534360.6).

ClinVar aggregate classification (germline): Uncertain significance (1 of 4 stars; one submission).

gnomAD v4.1: 2 of 1,614,080 alleles (0.00012%); highest among the groups gnomAD compares: Non-Finnish European, 0.00017%; no homozygotes.

Submission:

CeGaT Center for Human Genetics Tuebingen
Classification: Uncertain significance. Last evaluated: 2025-10-01. Review status: criteria provided, single submitter. Criteria: CeGaT Center For Human Genetics Tuebingen Variant Classification Criteria Version 2. Collection method: clinical testing. Allele origin: germline. Affected: yes. Observed: 1 variant allele.
Comment: ARID5B: PP2